The following is an entry in ClinVar:

ClinVar aggregate classification (germline): Uncertain significance (1 of 4 stars; one submission).

gnomAD v4.1: 8 of 1,613,928 alleles (0.0005%); highest among the groups gnomAD compares: Non-Finnish European, 0.00059%; no homozygotes.

Submission:

GeneDx
Classification: Uncertain significance. Last evaluated: 2022-12-07. Review status: criteria provided, single submitter. Criteria: GeneDx Variant Classification Process June 2021. Collection method: clinical testing. Allele origin: germline. Affected: yes.
Comment: Not observed at significant frequency in large population cohorts (gnomAD); In silico analysis supports that this missense variant has a deleterious effect on protein structure/function; Has not been previously published as pathogenic or benign to our knowledge

NM_001369.3(DNAH5):c.4925G>T (p.Gly1642Val)

Genes: DNAH5 (dynein axonemal heavy chain 5; minus strand), LOC126807318 (MED14-independent group 3 enhancer GRCh37_chr5:13858976-13860175; plus strand). Cytogenetic location: 5p15.2.
Variant type: single nucleotide variant.
Coding change: c.4925G>T on transcript NM_001369.3 (MANE Select); coding-DNA position 4925, G replaced by T.
Protein change: p.Gly1642Val; replaces glycine 1642 with valine.
Molecular consequence: missense variant.
Genome position (GRCh38, 1-based): chr5:13,859,477, C>A on the plus strand (G>T on the coding strand, the complement: DNAH5 is on the minus strand). VCF-style: chr5-13859477-C-A. GRCh37 (hg19) VCF-style: chr5-13859586-C-A.
Other names: short protein forms G1642V.
Identifiers: ClinVar variation 2504801 (VCV002504801.1), dbSNP rs934381467, ClinGen allele CA113969438.